The following is an entry in ClinVar:

ClinVar aggregate classification (germline): Conflicting classifications of pathogenicity. Review status: criteria provided, conflicting classifications (1 of 4 stars). 3 submissions from 3 submitters: Uncertain significance (2); Likely benign (1). Last evaluated 2026-08-10.

Conditions:
Inborn genetic diseases. Identifiers: MedGen C0950123, MeSH D030342.

Allele frequency attached by ClinVar (database versions not stated): TOPMed 0.00002; gnomAD exomes 0.00007 and 0.00014; gnomAD 0.00001 and 0.00003; ExAC 0.00019.
gnomAD v4.1: 112 of 1,611,956 alleles (0.0069%); highest among the groups gnomAD compares: South Asian, 0.1%; 1 homozygote.

Submissions (3):

GeneDx
Classification: Uncertain significance. Last evaluated: 2026-08-10. Review status: criteria provided, single submitter. Criteria: GeneDx Variant Classification Process June 2021. Collection method: clinical testing. Allele origin: germline.
Comment: In silico analysis supports that this missense variant has a deleterious effect on protein structure/function; Has not been previously published as pathogenic or benign to our knowledge

Labcorp Genetics (formerly Invitae), Labcorp
Classification: Likely benign. Last evaluated: 2022-11-08. Review status: criteria provided, single submitter. Criteria: Invitae Variant Classification Sherloc (09022015). Collection method: clinical testing. Allele origin: germline.

Ambry Genetics
Classification: Uncertain significance for Inborn genetic diseases. Last evaluated: 2021-07-20. Review status: criteria provided, single submitter. Criteria: Ambry Variant Classification Scheme 2023. Collection method: clinical testing. Allele origin: germline.

NM_003737.4(DCHS1):c.973C>T (p.Arg325Trp)

Gene: DCHS1 (dachsous cadherin-related 1; minus strand). Cytogenetic location: 11p15.4.
Variant type: single nucleotide variant.
Coding change: c.973C>T on transcript NM_003737.4 (MANE Select); coding-DNA position 973, C replaced by T.
Protein change: p.Arg325Trp; replaces arginine 325 with tryptophan.
Molecular consequence: missense variant.
Genome position (GRCh38, 1-based): chr11:6,640,641, G>A on the plus strand (C>T on the coding strand, the complement: DCHS1 is on the minus strand). VCF-style: chr11-6640641-G-A. GRCh37 (hg19) VCF-style: chr11-6661872-G-A.
Other names: c.973C>T (NM_003737.2); short protein forms R325W.
Identifiers: ClinVar variation 452490 (VCV000452490.9), dbSNP rs758453554, ClinGen allele CA5861051.